The following is an entry in ClinVar:

NM_014244.5(ADAMTS2):c.2198C>G (p.Pro733Arg)

Gene: ADAMTS2 (ADAM metallopeptidase with thrombospondin type 1 motif 2; minus strand). Cytogenetic location: 5q35.3.
Variant type: single nucleotide variant.
Coding change: c.2198C>G on transcript NM_014244.5 (MANE Select); coding-DNA position 2198, C replaced by G.
Protein change: p.Pro733Arg; replaces proline 733 with arginine.
Molecular consequence: missense variant.
Genome position (GRCh38, 1-based): chr5:179,132,788, G>C on the plus strand (C>G on the coding strand, the complement: ADAMTS2 is on the minus strand). VCF-style: chr5-179132788-G-C. GRCh37 (hg19) VCF-style: chr5-178559789-G-C.
Other names: short protein forms P733R.
Identifiers: ClinVar variation 972123 (VCV000972123.9), dbSNP rs1581143324, ClinGen allele CA362425092.

ClinVar aggregate classification (germline): Uncertain significance. Review status: criteria provided, multiple submitters, no conflicts (2 of 4 stars). 2 submissions from 2 submitters: Uncertain significance (2). Last evaluated 2023-12-22.

Conditions:
Inborn genetic diseases. Identifiers: MedGen C0950123, MeSH D030342.
Ehlers-Danlos syndrome, dermatosparaxis type. Also called: Ehlers-Danlos syndrome, type VII, autosomal recessive; Dermatosparaxis; EDS VIIC. Identifiers: Orphanet 1901, MedGen C2700425, MONDO:0009161, OMIM 225410.

gnomAD v4.1: 3 of 1,614,078 alleles (0.00019%); highest among the groups gnomAD compares: South Asian, 0.0033%; no homozygotes.

Submissions (2):

Ambry Genetics
Classification: Uncertain significance for Inborn genetic diseases. Last evaluated: 2023-12-22. Review status: criteria provided, single submitter. Criteria: Ambry Variant Classification Scheme 2023. Collection method: clinical testing. Allele origin: germline.

Labcorp Genetics (formerly Invitae), Labcorp
Classification: Uncertain significance for Ehlers-Danlos syndrome, dermatosparaxis type. Last evaluated: 2019-10-16. Review status: criteria provided, single submitter. Criteria: Invitae Variant Classification Sherloc (09022015). Collection method: clinical testing. Allele origin: germline.
Comment: In summary, the available evidence is currently insufficient to determine the role of this variant in disease. Therefore, it has been classified as a Variant of Uncertain Significance. Algorithms developed to predict the effect of missense changes on protein structure and function (SIFT, PolyPhen-2, Align-GVGD) all suggest that this variant is likely to be disruptive, but these predictions have not been confirmed by published functional studies and their clinical significance is uncertain. This variant has not been reported in the literature in individuals with ADAMTS2-related conditions. This variant is not present in population databases (ExAC no frequency). This sequence change replaces proline with arginine at codon 733 of the ADAMTS2 protein (p.Pro733Arg). The proline residue is highly conserved and there is a moderate physicochemical difference between proline and arginine.